The following is an entry in ClinVar:

ClinVar aggregate classification (germline): Likely benign. Review status: criteria provided, multiple submitters, no conflicts (2 of 4 stars). 2 submissions from 2 submitters: Likely benign (2). Last evaluated 2023-11-06.

Conditions:
Inborn genetic diseases. Identifiers: MedGen C0950123, MeSH D030342.

Allele frequency attached by ClinVar (database versions not stated): ExAC 0.00003; TOPMed 0.00005; gnomAD 0.00006; ESP Exome Variant Server 0.00008; gnomAD exomes 0.00008.
gnomAD v4.1: 129 of 1,589,882 alleles (0.0081%); highest among the groups gnomAD compares: South Asian, 0.017%; no homozygotes.

Submissions (2):

Ambry Genetics
Classification: Likely benign for Inborn genetic diseases. Last evaluated: 2023-11-06. Review status: criteria provided, single submitter. Criteria: Ambry Variant Classification Scheme 2023. Collection method: clinical testing. Allele origin: germline.

CeGaT Center for Human Genetics Tuebingen
Classification: Likely benign. Last evaluated: 2022-05-01. Review status: criteria provided, single submitter. Criteria: CeGaT Center For Human Genetics Tuebingen Variant Classification Criteria Version 2. Collection method: clinical testing. Allele origin: germline. Affected: yes. Observed: 1 variant allele.
Comment: CERT1: BS2

NM_001379029.1(CERT1):c.85G>A (p.Val29Ile)

Genes: CERT1 (ceramide transporter 1; minus strand), POLK (DNA polymerase kappa; plus strand). Cytogenetic location: 5q13.3.
Variant type: single nucleotide variant.
Coding change: c.85G>A on transcript NM_001379029.1 (MANE Select); coding-DNA position 85, G replaced by A.
Protein change: p.Val29Ile; replaces valine 29 with isoleucine.
Molecular consequence: missense variant.
Genome position (GRCh38, 1-based): chr5:75,511,123, C>T on the plus strand (G>A on the coding strand, the complement: CERT1 is on the minus strand). VCF-style: chr5-75511123-C-T. GRCh37 (hg19) VCF-style: chr5-74806948-C-T.
Other names: c.469G>A, p.Val157Ile (NM_001130105.1); c.85G>A, p.Val29Ile (NM_001379002.1, NM_001379003.1, NM_001379004.1 and 2 more transcripts); short protein forms V157I, V29I.
Identifiers: ClinVar variation 2655540 (VCV002655540.25), dbSNP rs371365467, ClinGen allele CA3309370.